The following is an entry in ClinVar:

NC_000017.10:g.(?_29667503)_(29701173_?)del

Gene: NF1 (neurofibromin 1; plus strand). Cytogenetic location: 17q11.2.
Variant type: Deletion.
Identifiers: ClinVar variation 3242877 (VCV003242877.1).

ClinVar aggregate classification (germline): Pathogenic (1 of 4 stars; one submission).

Conditions:
Neurofibromatosis, type 1 (NF1). Also called: VON RECKLINGHAUSEN DISEASE; Neurofibromatosis, type I; Peripheral type neurofibromatosis; NEUROFIBROMATOSIS, TYPE I, SOMATIC. Identifiers: Orphanet 636, MedGen C0027831, MONDO:0018975, OMIM 162200. Disease mechanism: loss of function.

Submission:

Labcorp Genetics (formerly Invitae), Labcorp
Classification: Pathogenic for Neurofibromatosis, type 1. Last evaluated: 2023-01-13. Review status: criteria provided, single submitter. Criteria: Invitae Variant Classification Sherloc (09022015). Collection method: clinical testing. Allele origin: unknown.
Comment: For these reasons, this variant has been classified as Pathogenic. This variant disrupts a region of the NF1 protein in which other variant(s) (p.Leu2317Pro) have been determined to be pathogenic (PMID: 10534774, 27322474). This suggests that this is a clinically significant region of the protein, and that variants that disrupt it are likely to be disease-causing. This variant has not been reported in the literature in individuals affected with NF1-related conditions. This variant is a gross deletion of the genomic region encompassing exon(s) 46-57 of the NF1 gene, which includes the termination codon. This deletion extends beyond the assayed region for this gene and therefore may encompass additional genes. While this deletion is not anticipated to lead to nonsense mediated decay, it is expected to alter mRNA translation or result in a truncated protein product.

Literature cited by the submitters: PubMed 10534774; PubMed 27322474.